The following is an entry in ClinVar:

ClinVar aggregate classification (germline): Likely pathogenic. Review status: criteria provided, multiple submitters, no conflicts (2 of 4 stars). 2 submissions from 2 submitters: Likely pathogenic (2). Last evaluated 2025-08-04.

Conditions:
Familial cancer of breast. Also called: hereditary breast carcinoma; BREAST CANCER, FAMILIAL; Hereditary breast cancer. Identifiers: Orphanet 227535, MedGen C0346153, MONDO:0016419, OMIM 114480. Disease mechanism: loss of function.
Ataxia-telangiectasia syndrome (AT). Also called: Ataxia-telangiectasia, complementation group D; AT, COMPLEMENTATION GROUP C; Ataxia telangiectasia (A-T); Cerebello-oculocutaneous telangiectasia; Immunodeficiency with ataxia telangiectasia; Ataxia-telangiectasia. Identifiers: Orphanet 100, MedGen C0004135, MONDO:0008840, OMIM 208900.

Submissions (2):

Labcorp Genetics (formerly Invitae), Labcorp
Classification: Likely pathogenic for Ataxia-telangiectasia syndrome. Last evaluated: 2025-08-04. Review status: criteria provided, single submitter. Criteria: Invitae Variant Classification Sherloc (09022015). Collection method: clinical testing. Allele origin: germline.
Comment: This variant results in the deletion of part of exon 22 (c.3154-1_3154delinsTT) of the ATM gene. It is expected to disrupt RNA splicing. Variants that disrupt the donor or acceptor splice site typically lead to a loss of protein function (PMID: 16199547), and loss-of-function variants in ATM are known to be pathogenic (PMID: 23807571, 25614872). Information on the frequency of this variant in the gnomAD database is not available, as this variant may be reported differently in the database. This variant has not been reported in the literature in individuals affected with ATM-related conditions. ClinVar contains an entry for this variant (Variation ID: 845562). In summary, the currently available evidence indicates that the variant is pathogenic, but additional data are needed to prove that conclusively. Therefore, this variant has been classified as Likely Pathogenic.

Myriad Genetics, Inc.
Classification: Likely pathogenic for Familial cancer of breast. Last evaluated: 2024-01-18. Review status: criteria provided, single submitter. Criteria: Myriad Autosomal Dominant, Autosomal Recessive and X-Linked Classification Criteria (2023). Collection method: clinical testing. Allele origin: unknown.
Comment: This variant is considered likely pathogenic. This variant occurs within a consensus splice junction and is predicted to result in abnormal mRNA splicing of either an out-of-frame exon or an in-frame exon necessary for protein stability and/or normal function.

Literature cited by the submitters: PubMed 16199547 (cited by Labcorp Genetics (formerly Invitae), Labcorp); PubMed 23807571 (cited by Labcorp Genetics (formerly Invitae), Labcorp); PubMed 25614872 (cited by Labcorp Genetics (formerly Invitae), Labcorp).

NM_000051.4(ATM):c.3154-1_3154delinsTT

Gene: ATM (ATM serine/threonine kinase; plus strand). Cytogenetic location: 11q22.3.
Variant type: Indel.
Coding change: c.3154-1_3154delinsTT on transcript NM_000051.4 (MANE Select); the canonical splice acceptor site of the intron before coding-DNA position 3154 through coding-DNA position 3154, GG replaced by TT.
Molecular consequence: splice acceptor variant.
Genome position (GRCh38, 1-based): chr11:108,272,721-108,272,722, GG replaced by TT. VCF-style: chr11-108272721-GG-TT. GRCh37 (hg19) VCF-style: chr11-108143448-GG-TT.
Other names: c.3154-1_3154delinsTT (NM_001351834.2).
Identifiers: ClinVar variation 845562 (VCV000845562.8), dbSNP rs2081657007, ClinGen allele CA916079949.